The following is an entry in ClinVar:

NM_000090.4(COL3A1):c.1885A>G (p.Lys629Glu)

Gene: COL3A1 (collagen type III alpha 1 chain; plus strand). Cytogenetic location: 2q32.2.
Variant type: single nucleotide variant.
Coding change: c.1885A>G on transcript NM_000090.4 (MANE Select); coding-DNA position 1885, A replaced by G.
Protein change: p.Lys629Glu; replaces lysine 629 with glutamic acid.
Molecular consequence: missense variant.
Genome position (GRCh38, 1-based): chr2:188,997,715, A>G. VCF-style: chr2-188997715-A-G. GRCh37 (hg19) VCF-style: chr2-189862441-A-G.
Other names: short protein forms K629E.
Identifiers: ClinVar variation 641803 (VCV000641803.22), dbSNP rs1466862530, ClinGen allele CA349853698.

ClinVar aggregate classification (germline): Uncertain significance. Review status: criteria provided, multiple submitters, no conflicts (2 of 4 stars). 7 submissions from 7 submitters: Uncertain significance (7). Last evaluated 2024-10-25.

Conditions:
Ehlers-Danlos syndrome, type 4 (EDSVASC). Also called: Ehlers-Danlos syndrome vascular type; Ehlers Danlos syndrome, ecchymotic type; Ehlers Danlos syndrome, arterial type; Ehlers Danlos syndrome, Sack-Barabas type; Ehlers-Danlos Syndrome Type IV. Identifiers: Orphanet 286, MedGen C0268338, MONDO:0017314, OMIM 130050.
Polymicrogyria with or without vascular-type Ehlers-Danlos syndrome. Identifiers: Orphanet 636941, MedGen C5193040, MONDO:0032688, OMIM 618343.
Familial thoracic aortic aneurysm and aortic dissection (TAAD). Also called: Thoracic aortic aneurysms and dissections. Identifiers: Orphanet 91387, MedGen C4707243, MONDO:0019625.

Allele frequency attached by ClinVar (database versions not stated): gnomAD exomes below 0.00001; TOPMed 0.00001; gnomAD 0.00002.
gnomAD v4.1: 6 of 1,613,796 alleles (0.00037%); highest among the groups gnomAD compares: Non-Finnish European, 0.00042%; no homozygotes.

Submissions (7):

Ambry Genetics
Classification: Uncertain significance for Familial thoracic aortic aneurysm and aortic dissection. Last evaluated: 2024-10-25. Review status: criteria provided, single submitter. Criteria: Ambry Variant Classification Scheme 2023. Collection method: clinical testing. Allele origin: germline.
Comment: The p.K629E variant (also known as c.1885A>G), located in coding exon 27 of the COL3A1 gene, results from an A to G substitution at nucleotide position 1885. The lysine at codon 629 is replaced by glutamic acid, an amino acid with similar properties. This amino acid position is not well conserved in available vertebrate species. In addition, the in silico prediction for this alteration is inconclusive. Based on the available evidence, the clinical significance of this variant remains unclear.

All of Us Research Program, National Institutes of Health
Classification: Uncertain significance for Ehlers-Danlos syndrome, type 4. Last evaluated: 2023-11-30. Review status: criteria provided, single submitter. Criteria: ACMG Guidelines, 2015. Collection method: clinical testing. Allele origin: germline. Inheritance: Autosomal dominant inheritance. Observed: 2 variant alleles, 2 heterozygotes.
Comment: This missense variant replaces lysine with glutamic acid at codon 629 of the COL3A1 protein. Computational prediction suggests that this variant may not impact protein structure and function (internally defined REVEL score threshold <= 0.5, PMID: 27666373). To our knowledge, functional studies have not been reported for this variant. This variant has not been reported in individuals affected with COL3A1-related disorders in the literature. This variant has not been identified in the general population by the Genome Aggregation Database (gnomAD). The available evidence is insufficient to determine the role of this variant in disease conclusively. Therefore, this variant is classified as a Variant of Uncertain Significance.

This study involves interpretation of variants in research participants for the purpose of population health screening. Participant phenotype was not available at the time of variant classification. Additional details can be found in publication PMID: 35346344, PMCID: PMC8962531

Labcorp Genetics (formerly Invitae), Labcorp
Classification: Uncertain significance for Ehlers-Danlos syndrome, type 4. Last evaluated: 2023-09-23. Review status: criteria provided, single submitter. Criteria: Invitae Variant Classification Sherloc (09022015). Collection method: clinical testing. Allele origin: germline.
Comment: This variant has not been reported in the literature in individuals affected with COL3A1-related conditions. ClinVar contains an entry for this variant (Variation ID: 641803). Advanced modeling of protein sequence and biophysical properties (such as structural, functional, and spatial information, amino acid conservation, physicochemical variation, residue mobility, and thermodynamic stability) performed at Invitae indicates that this missense variant is not expected to disrupt COL3A1 protein function. In summary, the available evidence is currently insufficient to determine the role of this variant in disease. Therefore, it has been classified as a Variant of Uncertain Significance. This variant is not present in population databases (gnomAD no frequency). This sequence change replaces lysine, which is basic and polar, with glutamic acid, which is acidic and polar, at codon 629 of the COL3A1 protein (p.Lys629Glu).

Color Diagnostics, LLC DBA Color Health
Classification: Uncertain significance for Familial thoracic aortic aneurysm and aortic dissection. Last evaluated: 2023-04-11. Review status: criteria provided, single submitter. Criteria: ACMG Guidelines, 2015. Collection method: clinical testing. Allele origin: germline.
Comment: This missense variant replaces lysine with glutamic acid at codon 629 of the COL3A1 protein. Computational prediction suggests that this variant may not impact protein structure and function (internally defined REVEL score threshold <= 0.5, PMID: 27666373). To our knowledge, functional studies have not been reported for this variant. This variant has not been reported in individuals affected with COL3A1-related disorders in the literature. This variant has not been identified in the general population by the Genome Aggregation Database (gnomAD). The available evidence is insufficient to determine the role of this variant in disease conclusively. Therefore, this variant is classified as a Variant of Uncertain Significance.

Women's Health and Genetics/Laboratory Corporation of America, LabCorp
Classification: Uncertain significance. Last evaluated: 2023-01-30. Review status: criteria provided, single submitter. Criteria: LabCorp Variant Classification Summary - May 2015. Collection method: clinical testing. Allele origin: germline.
Comment: Variant summary: COL3A1 c.1885A>G (p.Lys629Glu) results in a conservative amino acid change in the encoded protein sequence. Three of four in-silico tools predict a benign effect of the variant on protein function. The variant was absent in 251152 control chromosomes. The available data on variant occurrences in the general population are insufficient to allow any conclusion about variant significance. To our knowledge, no occurrence of c.1885A>G in individuals affected with Ehlers-Danlos Syndrome, Vascular Type and no experimental evidence demonstrating its impact on protein function have been reported. Three clinical diagnostic laboratories have submitted clinical-significance assessments for this variant to ClinVar after 2014 and classified the variant as uncertain significance. Based on the evidence outlined above, the variant was classified as uncertain significance.

Fulgent Genetics
Classification: Uncertain significance for Ehlers-Danlos syndrome, type 4; Polymicrogyria with or without vascular-type Ehlers-Danlos syndrome. Last evaluated: 2021-11-05. Review status: criteria provided, single submitter. Criteria: ACMG Guidelines, 2015. Collection method: clinical testing. Allele origin: unknown.

GeneDx
Classification: Uncertain significance. Last evaluated: 2019-02-22. Review status: criteria provided, single submitter. Criteria: GeneDx Variant Classification Process June 2021. Collection method: clinical testing. Allele origin: germline. Affected: yes.
Comment: Has not been previously published as pathogenic or benign to our knowledge; Not observed in large population cohorts (Lek et al., 2016); Occurs in the triple helical domain at the Y position in the canonical Gly-X-Y repeat. Although this variant may have an effect on normal protein folding and function, missense substitution at the Y position is not a common mechanism of disease (Stenson et al., 2014); In silico analysis, which includes protein predictors and evolutionary conservation, supports that this variant does not alter protein structure/function